The following is an entry in ClinVar:

NM_000038.6(APC):c.6933A>G (p.Arg2311=)

Gene: APC (APC regulator of Wnt signaling pathway; plus strand). Cytogenetic location: 5q22.2.
Variant type: single nucleotide variant.
Coding change: c.6933A>G on transcript NM_000038.6 (MANE Select); coding-DNA position 6933, A replaced by G.
Protein change: p.Arg2311=; no amino-acid change (arginine 2311 retained).
Molecular consequence: synonymous variant.
Genome position (GRCh38, 1-based): chr5:112,842,527, A>G. VCF-style: chr5-112842527-A-G. GRCh37 (hg19) VCF-style: chr5-112178224-A-G.
Other names: c.6933A>G, p.Arg2311= (NM_001127510.3, NM_001354895.2); c.6879A>G, p.Arg2293= (NM_001127511.3); c.6987A>G, p.Arg2329= (NM_001354896.2); c.6963A>G, p.Arg2321= (NM_001354897.2); c.6858A>G, p.Arg2286= (NM_001354898.2); c.6849A>G, p.Arg2283= (NM_001354899.2); c.6810A>G, p.Arg2270= (NM_001354900.2); c.6756A>G, p.Arg2252= (NM_001354901.2); and 5 more.
Identifiers: ClinVar variation 490349 (VCV000490349.17), dbSNP rs752834820, ClinGen allele CA046475.
Genomic context (GRCh38, chr5:112,842,527, plus strand): 5'-AATAGGTGGGTCAAGTAAAGCACCTTCTAGATCAGGATCTAGAGATTCGACCCCTTCAAG[A>G]CCTGCCCAGCAACCATTAAGTAGACCTATACAGTCTCCTGGCCGAAACTCAATTTCCCCT-3'
Protein context (NP_000029.2, residues 2301-2321): RSGSRDSTPS[Arg2311=]PAQQPLSRPI

ClinVar aggregate classification (germline): Benign/Likely benign. Review status: criteria provided, multiple submitters, no conflicts (2 of 4 stars). 4 submissions from 4 submitters: Benign (1); Likely benign (3). Last evaluated 2024-12-02.

Conditions:
Familial adenomatous polyposis 1 (FAP1). Also called: POLYPOSIS, ADENOMATOUS INTESTINAL; FAMILIAL ADENOMATOUS POLYPOSIS 1, ATTENUATED. Identifiers: MedGen C2713442, MONDO:0021056, OMIM 175100. Disease mechanism: loss of function.
Hereditary cancer-predisposing syndrome. Also called: Hereditary Cancer Syndrome; Neoplastic Syndromes, Hereditary; Tumor predisposition; Hereditary neoplastic syndrome. Identifiers: Orphanet 140162, MedGen C0027672, MeSH D009386, MONDO:0015356.

Allele frequency attached by ClinVar (database versions not stated): gnomAD exomes below 0.00001; ExAC 0.00001; TOPMed 0.00001.

Submissions (4):

Labcorp Genetics (formerly Invitae), Labcorp
Classification: Likely benign for Familial adenomatous polyposis 1. Last evaluated: 2024-12-02. Review status: criteria provided, single submitter. Criteria: Invitae Variant Classification Sherloc (09022015). Collection method: clinical testing. Allele origin: germline.

Myriad Genetics, Inc.
Classification: Benign for Familial adenomatous polyposis 1. Last evaluated: 2024-04-08. Review status: criteria provided, single submitter. Criteria: Myriad Autosomal Dominant, Autosomal Recessive and X-Linked Classification Criteria (2023). Collection method: clinical testing. Allele origin: unknown.
Comment: This variant is considered benign. This variant is a silent/synonymous amino acid change and it is not expected to impact splicing.

Ambry Genetics
Classification: Likely benign for Hereditary cancer-predisposing syndrome. Last evaluated: 2018-10-29. Review status: criteria provided, single submitter. Criteria: Ambry Variant Classification Scheme 2023. Collection method: clinical testing. Allele origin: germline.

Color Diagnostics, LLC DBA Color Health
Classification: Likely benign for Hereditary cancer-predisposing syndrome. Last evaluated: 2017-05-15. Review status: criteria provided, single submitter. Criteria: ACMG Guidelines, 2015. Collection method: clinical testing. Allele origin: germline.